The following is an entry in ClinVar:

ClinVar aggregate classification (germline): Uncertain significance (1 of 4 stars; one submission).

Conditions:
Emery-Dreifuss muscular dystrophy 4, autosomal dominant (EDMD4). Also called: EMERY-DREIFUSS MUSCULAR DYSTROPHY 4 WITH VARIABLE FEATURES. Identifiers: Orphanet 261, MedGen C2751807, MONDO:0013071, OMIM 612998.
Autosomal recessive ataxia, Beauce type. Also called: Spinocerebellar ataxia, autosomal recessive 8; ATAXIA, RECESSIVE, OF BEAUCE; SYNE1-Related Autosomal Recessive Cerebellar Ataxia; SYNE1 Deficiency. Identifiers: Orphanet 88644, MedGen C1853116, MONDO:0012549, OMIM 610743.

Allele frequency attached by ClinVar (database versions not stated): gnomAD exomes below 0.00001.
gnomAD v4.1: 3 of 1,614,098 alleles (0.00019%); highest among the groups gnomAD compares: Admixed American, 0.0017%; no homozygotes.

Submission:

Labcorp Genetics (formerly Invitae), Labcorp
Classification: Uncertain significance for Emery-Dreifuss muscular dystrophy 4, autosomal dominant; Autosomal recessive ataxia, Beauce type. Last evaluated: 2023-07-17. Review status: criteria provided, single submitter. Criteria: Invitae Variant Classification Sherloc (09022015). Collection method: clinical testing. Allele origin: germline.
Comment: In summary, the available evidence is currently insufficient to determine the role of this variant in disease. Therefore, it has been classified as a Variant of Uncertain Significance. Algorithms developed to predict the effect of missense changes on protein structure and function output the following: SIFT: "Not Available"; PolyPhen-2: "Benign"; Align-GVGD: "Not Available". The isoleucine amino acid residue is found in multiple mammalian species, which suggests that this missense change does not adversely affect protein function. ClinVar contains an entry for this variant (Variation ID: 2192800). This variant has not been reported in the literature in individuals affected with SYNE1-related conditions. This variant is present in population databases (no rsID available, gnomAD 0.003%). This sequence change replaces valine, which is neutral and non-polar, with isoleucine, which is neutral and non-polar, at codon 7732 of the SYNE1 protein (p.Val7732Ile).

NM_182961.4(SYNE1):c.23407G>A (p.Val7803Ile)

Gene: SYNE1 (spectrin repeat containing nuclear envelope protein 1; minus strand). Cytogenetic location: 6q25.2.
Variant type: single nucleotide variant.
Coding change: c.23407G>A on transcript NM_182961.4 (MANE Select); coding-DNA position 23407, G replaced by A.
Protein change: p.Val7803Ile; replaces valine 7803 with isoleucine.
Molecular consequence: missense variant.
Genome position (GRCh38, 1-based): chr6:152,180,189, C>T on the plus strand (G>A on the coding strand, the complement: SYNE1 is on the minus strand). VCF-style: chr6-152180189-C-T. GRCh37 (hg19) VCF-style: chr6-152501324-C-T.
Other names: c.13G>A, p.Val5Ile (NM_001347701.2); c.23194G>A, p.Val7732Ile (NM_033071.5); short protein forms V7732I, V5I, V7803I.
Identifiers: ClinVar variation 2192800 (VCV002192800.4), dbSNP rs1365567746, ClinGen allele CA366091892.